The following is an entry in ClinVar:

NM_018714.3(COG1):c.304C>T (p.Arg102Trp)

Genes: COG1 (component of oligomeric golgi complex 1; plus strand), LOC130061577 (ATAC-STARR-seq lymphoblastoid silent region 8921; plus strand). Cytogenetic location: 17q25.1.
Variant type: single nucleotide variant.
Coding change: c.304C>T on transcript NM_018714.3 (MANE Select); coding-DNA position 304, C replaced by T.
Protein change: p.Arg102Trp; replaces arginine 102 with tryptophan.
Molecular consequence: missense variant.
Genome position (GRCh38, 1-based): chr17:73,193,373, C>T. VCF-style: chr17-73193373-C-T. GRCh37 (hg19) VCF-style: chr17-71189512-C-T.
Other names: short protein forms R102W.
Identifiers: ClinVar variation 4706176 (VCV004706176.1).
Genomic context (GRCh38, chr17:73,193,373, plus strand): 5'-GCCACCGACCAGTACTGCGCCCGCCTCCGCCAGGCCGGCTCGGCCGCGCCCCGGCCACCG[C>T]GGGCCCAGCAGGTCAGTCCCCGTGCCCCCACCCTGCGACCCGCAGGCGGGTCCCGGAGCC-3'
Protein context (NP_061184.1, residues 92-112): QAGSAAPRPP[Arg102Trp]AQQPQQPSQE

ClinVar aggregate classification (germline): Uncertain significance (1 of 4 stars; one submission).

Conditions:
COG1 congenital disorder of glycosylation (CDG2G). Also called: CONGENITAL DISORDER OF GLYCOSYLATION, TYPE IIg; CDG IIg; CDGII/COG1 CEREBROCOSTOMANDIBULAR-LIKE SYNDROME. Identifiers: Orphanet 263508, MedGen C2931011, MONDO:0012637, OMIM 611209.

Submission:

Labcorp Genetics (formerly Invitae), Labcorp
Classification: Uncertain significance for COG1 congenital disorder of glycosylation. Last evaluated: 2025-10-27. Review status: criteria provided, single submitter. Criteria: Invitae Variant Classification Sherloc (09022015). Collection method: clinical testing. Allele origin: germline.
Comment: This sequence change replaces arginine, which is basic and polar, with tryptophan, which is neutral and slightly polar, at codon 102 of the COG1 protein (p.Arg102Trp). This variant is not present in population databases (gnomAD no frequency). This variant has not been reported in the literature in individuals affected with COG1-related conditions. Invitae Evidence Modeling of protein sequence and biophysical properties (such as structural, functional, and spatial information, amino acid conservation, physicochemical variation, residue mobility, and thermodynamic stability) indicates that this missense variant is not expected to disrupt COG1 protein function with a negative predictive value of 80%. In summary, the available evidence is currently insufficient to determine the role of this variant in disease. Therefore, it has been classified as a Variant of Uncertain Significance.